The following is an entry in ClinVar:

NM_004453.4(ETFDH):c.1726G>A (p.Gly576Arg)

Gene: ETFDH (electron transfer flavoprotein dehydrogenase; plus strand). Cytogenetic location: 4q32.1.
Variant type: single nucleotide variant.
Coding change: c.1726G>A on transcript NM_004453.4 (MANE Select); coding-DNA position 1726, G replaced by A.
Protein change: p.Gly576Arg; replaces glycine 576 with arginine.
Molecular consequence: missense variant.
Genome position (GRCh38, 1-based): chr4:158,708,399, G>A. VCF-style: chr4-158708399-G-A. GRCh37 (hg19) VCF-style: chr4-159629551-G-A.
Other names: c.1585G>A, p.Gly529Arg (NM_001281737.2); c.1543G>A, p.Gly515Arg (NM_001281738.1); short protein forms G515R, G529R, G576R.
Identifiers: ClinVar variation 991939 (VCV000991939.2), dbSNP rs760578708, ClinGen allele CA3122708.

ClinVar aggregate classification (germline): Uncertain significance. Review status: no assertion criteria provided (0 of 4 stars). 2 submissions from 2 submitters: Uncertain significance (2). Last evaluated 2020-11-10.

Conditions:
Multiple acyl-CoA dehydrogenase deficiency (MADD). Also called: Glutaric aciduria, type 2; Glutaric acidemia type II; GA 2; Glutaric Acidemia type 2; ETHYLMALONIC-ADIPICACIDURIA; GA II. Identifiers: Orphanet 26791, MedGen C0268596, MONDO:0009282, OMIM 231680.

Allele frequency attached by ClinVar (database versions not stated): gnomAD exomes below 0.00001 and 0.00001; TOPMed below 0.00001; ExAC 0.00002.
gnomAD v4.1: 9 of 1,612,290 alleles (0.00056%); highest among the groups gnomAD compares: Non-Finnish European, 0.00076%; no homozygotes.

Submissions (2):

Natera, Inc.
Classification: Uncertain significance for Glutaric aciduria type 2. Last evaluated: 2020-11-10. Review status: no assertion criteria provided. Collection method: clinical testing. Allele origin: germline.

Department of Pathology and Laboratory Medicine, Sinai Health System
Classification: Uncertain significance. Review status: no assertion criteria provided. Collection method: clinical testing. Allele origin: unknown. Affected: yes. Study: The Canadian Open Genetics Repository (COGR).
Comment: The ETFDH p.Gly529Arg variant was not identified in the literature nor was it identified in ClinVar or LOVD 3.0. The variant was identified in dbSNP (ID: rs760578708) and in control databases in 1 of 251270 chromosomes at a frequency of 0.00000398 (Genome Aggregation Database March 6, 2019, v2.1.1). The variant was observed in the European (non-Finnish) population in 1 of 113626 chromosomes (freq: 0.000009), but was not observed in the African, Latino, Ashkenazi Jewish, East Asian, European (Finnish), Other, or South Asian populations. The p.Gly529 residue is conserved in mammals and computational analyses (SIFT, AlignGVGD, BLOSUM, MutationTaster) suggest that the variant may impact the protein; however, this information is not predictive enough to assume pathogenicity. The variant occurs outside of the splicing consensus sequence and in silico or computational prediction software programs (SpliceSiteFinder, MaxEntScan, NNSPLICE, GeneSplicer) do not predict a difference in splicing. In summary, based on the above information the clinical significance of this variant cannot be determined with certainty at this time. This variant is classified as a variant of uncertain significance.